The following is an entry in ClinVar:

NM_003620.4(PPM1D):c.1281G>A (p.Trp427Ter)

Gene: PPM1D (protein phosphatase, Mg2+/Mn2+ dependent 1D; plus strand). Cytogenetic location: 17q23.2.
Variant type: single nucleotide variant.
Coding change: c.1281G>A on transcript NM_003620.4 (MANE Select); coding-DNA position 1281, G replaced by A.
Protein change: p.Trp427Ter; replaces tryptophan 427 with a stop codon.
Molecular consequence: nonsense.
Genome position (GRCh38, 1-based): chr17:60,663,015, G>A. VCF-style: chr17-60663015-G-A. GRCh37 (hg19) VCF-style: chr17-58740376-G-A.
Other names: short protein forms W427*.
Identifiers: ClinVar variation 424878 (VCV000424878.6), dbSNP rs1064797099, ClinGen allele CA16621552.

ClinVar aggregate classification (germline): Pathogenic. Review status: criteria provided, multiple submitters, no conflicts (2 of 4 stars). 3 submissions from 3 submitters: Pathogenic (2). 1 of the submissions does not count toward it. Last evaluated 2024-09-22.

Conditions:
Familial cancer of breast. Also called: Hereditary breast cancer; BREAST CANCER, FAMILIAL; hereditary breast carcinoma. Identifiers: Orphanet 227535, MedGen C0346153, MONDO:0016419, OMIM 114480. Disease mechanism: loss of function.
Intellectual developmental disorder with gastrointestinal difficulties and high pain threshold (JDVS). Also called: JANSEN-DE VRIES SYNDROME. Identifiers: Orphanet 653767, MedGen C4479517, MONDO:0044318, OMIM 617450.

Allele frequency attached by ClinVar (database versions not stated): gnomAD exomes below 0.00001; gnomAD 0.00001.
gnomAD v4.1: 4 of 1,610,472 alleles (0.00025%); highest among the groups gnomAD compares: Non-Finnish European, 0.00034%; no homozygotes.

Submissions (3):

Genomic Medicine Center of Excellence, King Faisal Specialist Hospital and Research Centre
Classification: Pathogenic for Intellectual developmental disorder with gastrointestinal difficulties and high pain threshold. Last evaluated: 2024-09-22. Review status: criteria provided, single submitter. Criteria: ACMG Guidelines, 2015. Collection method: clinical testing. Allele origin: germline.

Juno Genomics, Hangzhou Juno Genomics, Inc
Classification: Pathogenic for Intellectual developmental disorder with gastrointestinal difficulties and high pain threshold; Familial cancer of breast. Review status: criteria provided, single submitter. Criteria: ACMG Guidelines, 2015. Collection method: clinical testing. Allele origin: germline. Affected: yes.
Comment: Absent from controls (or at extremely low frequency if recessive) in Genome Aggregation Database, Exome Sequencing Project, 1000 Genomes Project, or Exome Aggregation Consortium.;The prevalence of the variant in affected individuals is significantly increased compared to the prevalence in controls.;Assumed de novo, but without confirmation of paternity and maternity.;Well-established in vitro or in vivo functional studies supportive of a damaging effect on the gene or gene product.;Patient's phenotype or family history is highly specific for a disease with a single genetic etiology.

OMIM
Classification: Pathogenic for JANSEN-DE VRIES SYNDROME. Last evaluated: 2019-06-17. Review status: no assertion criteria provided. Collection method: literature only. Allele origin: germline. Not counted in ClinVar's aggregate classification.

Literature cited by the submitters: PubMed 28343630 (cited by OMIM).